The following is an entry in ClinVar:

NM_024824.5(ZC3H14):c.1280-1856A>G

Gene: ZC3H14 (zinc finger CCCH-type containing 14; plus strand). Cytogenetic location: 14q31.3.
Variant type: single nucleotide variant.
Coding change: c.1280-1856A>G on transcript NM_024824.5 (MANE Select); 1856 bases into the intron before coding-DNA position 1280, A replaced by G.
Molecular consequence: intron variant. On other transcripts: missense variant (1).
Genome position (GRCh38, 1-based): chr14:88,594,878, A>G. VCF-style: chr14-88594878-A-G. GRCh37 (hg19) VCF-style: chr14-89061222-A-G.
Other names: c.152A>G, p.Asn51Ser (NM_207662.4); c.1178-1856A>G (NM_001326297.2, NM_001326315.2, NM_001326316.2 and 1 more transcripts); c.1178-7046A>G (NM_001326301.2); c.1178-12365A>G (NM_001326303.2); c.1280-1856A>G (NM_001160103.2, NM_001326310.2, NM_001160104.2 and 1 more transcripts); c.1280-7046A>G (NM_001326307.2, NM_001326296.2, NM_001326312.2 and 1 more transcripts); c.1280-12365A>G (NM_001326298.2, NM_207660.4); c.1124-12365A>G (NM_001326313.2, NM_001326306.2); and 3 more; short protein forms N51S.
Identifiers: ClinVar variation 1029539 (VCV001029539.1), dbSNP rs538186371, ClinGen allele CA7300481.
Genomic context (GRCh38, chr14:88,594,878, plus strand): 5'-GTTCACTGAATGAGCTAGACAATATTTCCCACCTTTTAAGGAAAATATCAGCTGATATCA[A>G]TGAAATTAAAGGAATGAAAGCAGCTATTTTGACAGTGGAAGCAAATCTTTTTGATCTAAA-3'

ClinVar aggregate classification (germline): Uncertain significance (1 of 4 stars; one submission).

Conditions:
Intellectual developmental disorder, autosomal recessive 56. Also called: Intellectual disability, autosomal recessive 56. Identifiers: MedGen C4310703, MONDO:0014930, OMIM 617125.

Allele frequency attached by ClinVar (database versions not stated): TOPMed 0.00004; gnomAD exomes 0.00008 and 0.00004; ExAC 0.00003; gnomAD 0.00003.
gnomAD v4.1: 121 of 1,614,078 alleles (0.0075%); highest among the groups gnomAD compares: Middle Eastern, 0.033%; no homozygotes.

Submission:

Baylor Genetics
Classification: Uncertain significance for Intellectual developmental disorder, autosomal recessive 56. Last evaluated: 2019-08-21. Review status: criteria provided, single submitter. Criteria: ACMG Guidelines, 2015. Collection method: clinical testing. Allele origin: unknown. Affected: yes.
Comment: This variant was determined to be of uncertain significance according to ACMG Guidelines, 2015 [PMID:25741868].